The following is an entry in ClinVar:

ClinVar aggregate classification (germline): Uncertain significance (1 of 4 stars; one submission).

Submission:

Labcorp Genetics (formerly Invitae), Labcorp
Classification: Uncertain significance. Last evaluated: 2024-11-27. Review status: criteria provided, single submitter. Criteria: Invitae Variant Classification Sherloc (09022015). Collection method: clinical testing. Allele origin: germline.
Comment: This sequence change replaces isoleucine, which is neutral and non-polar, with methionine, which is neutral and non-polar, at codon 783 of the MYH9 protein (p.Ile783Met). This variant is not present in population databases (gnomAD no frequency). This variant has not been reported in the literature in individuals affected with MYH9-related conditions. Invitae Evidence Modeling of protein sequence and biophysical properties (such as structural, functional, and spatial information, amino acid conservation, physicochemical variation, residue mobility, and thermodynamic stability) indicates that this missense variant is not expected to disrupt MYH9 protein function with a negative predictive value of 95%. In summary, the available evidence is currently insufficient to determine the role of this variant in disease. Therefore, it has been classified as a Variant of Uncertain Significance.

NM_002473.6(MYH9):c.2349C>G (p.Ile783Met)

Gene: MYH9 (myosin heavy chain 9; minus strand). Cytogenetic location: 22q12.3.
Variant type: single nucleotide variant.
Coding change: c.2349C>G on transcript NM_002473.6 (MANE Select); coding-DNA position 2349, C replaced by G.
Protein change: p.Ile783Met; replaces isoleucine 783 with methionine.
Molecular consequence: missense variant.
Genome position (GRCh38, 1-based): chr22:36,304,036, G>C on the plus strand (C>G on the coding strand, the complement: MYH9 is on the minus strand). VCF-style: chr22-36304036-G-C. GRCh37 (hg19) VCF-style: chr22-36700082-G-C.
Other names: short protein forms I783M.
Identifiers: ClinVar variation 3719671 (VCV003719671.2).